The following is an entry in ClinVar:

ClinVar aggregate classification (germline): Likely benign (1 of 4 stars; one submission).

Allele frequency attached by ClinVar (database versions not stated): gnomAD 0.00001; gnomAD exomes 0.00001; TOPMed 0.00001.
gnomAD v4.1: 23 of 1,578,278 alleles (0.0015%); highest among the groups gnomAD compares: Non-Finnish European, 0.0016%; no homozygotes.

Submission:

CeGaT Center for Human Genetics Tuebingen
Classification: Likely benign. Last evaluated: 2022-05-01. Review status: criteria provided, single submitter. Criteria: CeGaT Center For Human Genetics Tuebingen Variant Classification Criteria Version 2. Collection method: clinical testing. Allele origin: germline. Affected: yes. Observed: 1 variant allele.
Comment: GARRE1: BP4, BP7

NM_014686.5(GARRE1):c.2634G>A (p.Pro878=)

Gene: GARRE1 (granule associated Rac and RHOG effector 1; plus strand). Cytogenetic location: 19q13.11.
Variant type: single nucleotide variant.
Coding change: c.2634G>A on transcript NM_014686.5 (MANE Select); coding-DNA position 2634, G replaced by A.
Protein change: p.Pro878=; no amino-acid change (proline 878 retained).
Molecular consequence: synonymous variant.
Genome position (GRCh38, 1-based): chr19:34,347,989, G>A. VCF-style: chr19-34347989-G-A. GRCh37 (hg19) VCF-style: chr19-34838894-G-A.
Identifiers: ClinVar variation 2649702 (VCV002649702.24), dbSNP rs1203071666, ClinGen allele CA506690807.
Genomic context (GRCh38, chr19:34,347,989, plus strand): 5'-GCAGCAGAAGCGGCAGGCCCAGCACGGTCGCCGGCCAGGCAACCCCCGGGGCAACTGGCC[G>A]CCTATGGATGACGCGCATCGGACCTGGCCCTTCCCCGAGTTCTTCACAGAAGGGTGAGTG-3'
Protein context (NP_055501.2, residues 868-888): RRPGNPRGNW[Pro878=]PMDDAHRTWP